The following is an entry in ClinVar:

NM_004655.4(AXIN2):c.2237+6T>G

Gene: AXIN2 (axin 2; minus strand). Cytogenetic location: 17q24.1.
Variant type: single nucleotide variant.
Coding change: c.2237+6T>G on transcript NM_004655.4 (MANE Select); 6 bases into the intron after coding-DNA position 2237, T replaced by G.
Molecular consequence: intron variant.
Genome position (GRCh38, 1-based): chr17:65,535,620, A>C on the plus strand (T>G on the coding strand, the complement: AXIN2 is on the minus strand). VCF-style: chr17-65535620-A-C. GRCh37 (hg19) VCF-style: chr17-63531738-A-C.
Other names: c.2042+6T>G (NM_001363813.1).
Identifiers: ClinVar variation 2087465 (VCV002087465.4), dbSNP rs2509396431, ClinGen allele CA2580094706.

ClinVar aggregate classification (germline): Uncertain significance (1 of 4 stars; one submission).

Conditions:
Oligodontia-cancer predisposition syndrome. Also called: TOOTH AGENESIS-COLORECTAL CANCER SYNDROME. Identifiers: Orphanet 300576, MedGen C1837750, MONDO:0012075, OMIM 608615. Disease mechanism: loss of function.

Allele frequency attached by ClinVar (database versions not stated): gnomAD exomes below 0.00001.

Submission:

Labcorp Genetics (formerly Invitae), Labcorp
Classification: Uncertain significance for Oligodontia-cancer predisposition syndrome. Last evaluated: 2023-08-11. Review status: criteria provided, single submitter. Criteria: Invitae Variant Classification Sherloc (09022015). Collection method: clinical testing. Allele origin: germline.
Comment: This sequence change falls in intron 9 of the AXIN2 gene. It does not directly change the encoded amino acid sequence of the AXIN2 protein. RNA analysis indicates that this variant induces altered splicing and likely results in a shortened protein product. This variant is not present in population databases (gnomAD no frequency). This variant has not been reported in the literature in individuals affected with AXIN2-related conditions. ClinVar contains an entry for this variant (Variation ID: 2087465). Variants that disrupt the consensus splice site are a relatively common cause of aberrant splicing (PMID: 17576681, 9536098). Studies have shown that this variant results in skipping of exon 9, but is expected to preserve the integrity of the reading-frame (Invitae). In summary, the available evidence is currently insufficient to determine the role of this variant in disease. Therefore, it has been classified as a Variant of Uncertain Significance.

Literature cited by the submitters: PubMed 17576681; PubMed 9536098.